The following is an entry in ClinVar:

NM_006914.4(RORB):c.549C>G (p.Ile183Met)

Gene: RORB (RAR related orphan receptor B; plus strand). Cytogenetic location: 9q21.13.
Variant type: single nucleotide variant.
Coding change: c.549C>G on transcript NM_006914.4 (MANE Select); coding-DNA position 549, C replaced by G.
Protein change: p.Ile183Met; replaces isoleucine 183 with methionine.
Molecular consequence: missense variant.
Genome position (GRCh38, 1-based): chr9:74,642,727, C>G. VCF-style: chr9-74642727-C-G. GRCh37 (hg19) VCF-style: chr9-77257643-C-G.
Other names: c.582C>G, p.Ile194Met (NM_001365023.1); c.549C>G (NM_006914.3); short protein forms I183M, I194M.
Identifiers: ClinVar variation 1948759 (VCV001948759.6), dbSNP rs758150843, ClinGen allele CA5083390.
Genomic context (GRCh38, chr9:74,642,727, plus strand): 5'-GTCCCCTGATCAGTCAGGACTTGACATGACTGGAATCAAACAGATAAAGCAAGAACCTAT[C>G]TATGACCTCACATCCGTACCCAACTTGTTTACCTATAGCTCTTTCAACAATGGGCAGTTA-3'
Protein context (NP_008845.2, residues 173-193): TGIKQIKQEP[Ile183Met]YDLTSVPNLF

ClinVar aggregate classification (germline): Conflicting classifications of pathogenicity. Review status: criteria provided, conflicting classifications (1 of 4 stars). 2 submissions from 2 submitters: Uncertain significance (1); Likely benign (1). Last evaluated 2024-07-15.

Conditions:
Inborn genetic diseases. Identifiers: MedGen C0950123, MeSH D030342.

Allele frequency attached by ClinVar (database versions not stated): gnomAD exomes 0.00002; ExAC 0.00006.
gnomAD v4.1: 28 of 1,614,120 alleles (0.0017%); highest among the groups gnomAD compares: South Asian, 0.03%; no homozygotes.

Submissions (2):

Ambry Genetics
Classification: Likely benign for Inborn genetic diseases. Last evaluated: 2024-07-15. Review status: criteria provided, single submitter. Criteria: Ambry Variant Classification Scheme 2023. Collection method: clinical testing. Allele origin: germline.

Labcorp Genetics (formerly Invitae), Labcorp
Classification: Uncertain significance. Last evaluated: 2023-10-28. Review status: criteria provided, single submitter. Criteria: Invitae Variant Classification Sherloc (09022015). Collection method: clinical testing. Allele origin: germline.
Comment: This sequence change replaces isoleucine, which is neutral and non-polar, with methionine, which is neutral and non-polar, at codon 183 of the RORB protein (p.Ile183Met). This variant is present in population databases (rs758150843, gnomAD 0.04%), and has an allele count higher than expected for a pathogenic variant. This variant has not been reported in the literature in individuals affected with RORB-related conditions. ClinVar contains an entry for this variant (Variation ID: 1948759). An algorithm developed to predict the effect of missense changes on protein structure and function (PolyPhen-2) suggests that this variant is likely to be tolerated. In summary, the available evidence is currently insufficient to determine the role of this variant in disease. Therefore, it has been classified as a Variant of Uncertain Significance.